The following is an entry in ClinVar:

NM_000051.4(ATM):c.4517T>C (p.Val1506Ala)

Gene: ATM (ATM serine/threonine kinase; plus strand). Cytogenetic location: 11q22.3.
Variant type: single nucleotide variant.
Coding change: c.4517T>C on transcript NM_000051.4 (MANE Select); coding-DNA position 4517, T replaced by C.
Protein change: p.Val1506Ala; replaces valine 1506 with alanine.
Molecular consequence: missense variant.
Genome position (GRCh38, 1-based): chr11:108,292,699, T>C. VCF-style: chr11-108292699-T-C. GRCh37 (hg19) VCF-style: chr11-108163426-T-C.
Other names: c.4517T>C, p.Val1506Ala (NM_001351834.2); short protein forms V1506A.
Identifiers: ClinVar variation 824964 (VCV000824964.5), dbSNP rs1555099878, ClinGen allele CA382533635.

ClinVar aggregate classification (germline): Uncertain significance. Review status: criteria provided, multiple submitters, no conflicts (2 of 4 stars). 2 submissions from 2 submitters: Uncertain significance (2). Last evaluated 2023-09-20.

Conditions:
Hereditary cancer-predisposing syndrome. Also called: Neoplastic Syndromes, Hereditary; Tumor predisposition; Hereditary neoplastic syndrome; Hereditary Cancer Syndrome. Identifiers: Orphanet 140162, MedGen C0027672, MeSH D009386, MONDO:0015356.
Familial cancer of breast. Also called: BREAST CANCER, FAMILIAL; Hereditary breast cancer; hereditary breast carcinoma. Identifiers: Orphanet 227535, MedGen C0346153, MONDO:0016419, OMIM 114480. Disease mechanism: loss of function.

Submissions (2):

Baylor Genetics
Classification: Uncertain significance for Familial cancer of breast. Last evaluated: 2023-09-20. Review status: criteria provided, single submitter. Criteria: ACMG Guidelines, 2015. Collection method: clinical testing. Allele origin: unknown.

Ambry Genetics
Classification: Uncertain significance for Hereditary cancer-predisposing syndrome. Last evaluated: 2019-07-19. Review status: criteria provided, single submitter. Criteria: Ambry Variant Classification Scheme 2023. Collection method: clinical testing. Allele origin: germline.
Comment: The p.V1506A variant (also known as c.4517T>C), located in coding exon 29 of the ATM gene, results from a T to C substitution at nucleotide position 4517. The valine at codon 1506 is replaced by alanine, an amino acid with similar properties. This amino acid position is well conserved in available vertebrate species. In addition, the in silico prediction for this alteration is inconclusive. Since supporting evidence is limited at this time, the clinical significance of this alteration remains unclear.